The following is an entry in ClinVar:

ClinVar aggregate classification (germline): Uncertain significance. Review status: criteria provided, multiple submitters, no conflicts (2 of 4 stars). 2 submissions from 2 submitters: Uncertain significance (2). Last evaluated 2023-02-16.

Conditions:
Early-infantile DEE. Also called: Early infantile epileptic encephalopathy with suppression bursts; Early infantile epileptic encephalopathy; Ohtahara syndrome. Identifiers: Orphanet 1934, MedGen C0393706, MONDO:0800491.
Seizures, benign familial infantile, 5 (BFIS5). Also called: CONVULSIONS, BENIGN FAMILIAL INFANTILE, 5. Identifiers: Orphanet 306, MedGen C4310728, MONDO:0014903, OMIM 617080.

Allele frequency attached by ClinVar (database versions not stated): gnomAD 0.00001; TOPMed 0.00001; gnomAD exomes below 0.00001.
gnomAD v4.1: 3 of 1,613,918 alleles (0.00019%); highest among the groups gnomAD compares: African/African-American, 0.0013%; no homozygotes.

Submissions (2):

Labcorp Genetics (formerly Invitae), Labcorp
Classification: Uncertain significance for Early-infantile DEE. Last evaluated: 2023-02-16. Review status: criteria provided, single submitter. Criteria: Invitae Variant Classification Sherloc (09022015). Collection method: clinical testing. Allele origin: germline.
Comment: In summary, the available evidence is currently insufficient to determine the role of this variant in disease. Therefore, it has been classified as a Variant of Uncertain Significance. This sequence change replaces glutamic acid, which is acidic and polar, with aspartic acid, which is acidic and polar, at codon 1871 of the SCN8A protein (p.Glu1871Asp). This variant is present in population databases (no rsID available, gnomAD 0.007%). This variant has not been reported in the literature in individuals affected with SCN8A-related conditions. ClinVar contains an entry for this variant (Variation ID: 1213776). Advanced modeling of protein sequence and biophysical properties (such as structural, functional, and spatial information, amino acid conservation, physicochemical variation, residue mobility, and thermodynamic stability) performed at Invitae indicates that this missense variant is not expected to disrupt SCN8A protein function.

New York Genome Center
Classification: Uncertain significance for Seizures, benign familial infantile, 5. Last evaluated: 2020-08-26. Review status: criteria provided, single submitter. Criteria: NYGC Assertion Criteria 2020. Collection method: clinical testing. Allele origin: inherited. Observed: 1 heterozygote. Study: CSER-NYCKidSeq.

NM_001330260.2(SCN8A):c.5613G>C (p.Glu1871Asp)

Gene: SCN8A (sodium voltage-gated channel alpha subunit 8; plus strand). Cytogenetic location: 12q13.13.
Variant type: single nucleotide variant.
Coding change: c.5613G>C on transcript NM_001330260.2 (MANE Select); coding-DNA position 5613, G replaced by C.
Protein change: p.Glu1871Asp; replaces glutamic acid 1871 with aspartic acid.
Molecular consequence: missense variant.
Genome position (GRCh38, 1-based): chr12:51,807,099, G>C. VCF-style: chr12-51807099-G-C. GRCh37 (hg19) VCF-style: chr12-52200883-G-C.
Other names: c.5490G>C, p.Glu1830Asp (NM_001177984.3, NM_001369788.1); c.5613G>C, p.Glu1871Asp (NM_014191.4); short protein forms E1830D, E1871D.
Identifiers: ClinVar variation 1213776 (VCV001213776.4), dbSNP rs1230372504, ClinGen allele CA384888049.
Genomic context (GRCh38, chr12:51,807,099, plus strand): 5'-CACCAAGCGGGTCCTGGGAGATAGCGGGGAGTTGGACATCCTGCGGCAGCAGATGGAAGA[G>C]CGGTTCGTGGCATCCAATCCTTCCAAAGTGTCTTACGAGCCAATCACAACCACACTGCGT-3'
Protein context (NP_001317189.1, residues 1861-1881): ELDILRQQME[Glu1871Asp]RFVASNPSKV